The following is an entry in ClinVar:

NM_030665.4(RAI1):c.834GCA[21] (p.Gln284_Gln291dup)

Gene: RAI1 (retinoic acid induced 1; plus strand). Cytogenetic location: 17p11.2.
Variant type: Microsatellite.
Coding change: c.834GCA[21] on transcript NM_030665.4 (MANE Select); 21 copies in a row of the 3-base unit GCA starting at c.834; the reference has 13 copies in a row; eight copies, 24 bases duplicated.
Protein change: p.Gln284_Gln291dup.
Molecular consequence: inframe insertion.
Genome position (GRCh38, 1-based): chr17:17,793,797-17,793,820, GCAGCAGCAGCAGCAGCAGCAGCA duplicated; duplicating any 24 consecutive bases within chr17:17,793,780-17,793,820 gives the same sequence; the position shown is the placement nearest the transcript's 3' end. VCF-style (leftmost placement, unchanged base first): chr17-17793779-C-CCAGCAGCAGCAGCAGCAGCAGCAG. GRCh37 (hg19) VCF-style: chr17-17697093-C-CCAGCAGCAGCAGCAGCAGCAGCAG.
Other names: c.849_872dup24 (NM_030665.3).
Identifiers: ClinVar variation 1401096 (VCV001401096.8), dbSNP rs371983878, ClinGen allele CA981957228.

ClinVar aggregate classification (germline): Likely benign. Review status: criteria provided, multiple submitters, no conflicts (2 of 4 stars). 2 submissions from 2 submitters: Likely benign (2). Last evaluated 2026-05-26.

Conditions:
RAI1-related disorder. Also called: RAI1-related condition.

Submissions (2):

PreventionGenetics, part of Exact Sciences
Classification: Likely benign for RAI1-related condition. Last evaluated: 2026-05-26. Review status: criteria provided, single submitter. Criteria: ACMG Guidelines, 2015. Collection method: clinical testing. Allele origin: germline.
Comment: This variant is classified as likely benign based on ACMG/AMP sequence variant interpretation guidelines (Richards et al. 2015 PMID: 25741868, with internal and published modifications).

Labcorp Genetics (formerly Invitae), Labcorp
Classification: Likely benign. Last evaluated: 2024-08-28. Review status: criteria provided, single submitter. Criteria: Invitae Variant Classification Sherloc (09022015). Collection method: clinical testing. Allele origin: germline.